The following is an entry in ClinVar:

ClinVar aggregate classification (germline): Uncertain significance (1 of 4 stars; one submission).

Conditions:
Myofibrillar myopathy 5. Also called: FILAMINOPATHY, AUTOSOMAL DOMINANT; Filaminopathy (type). Identifiers: Orphanet 171445, MedGen C1836050, MONDO:0012289, OMIM 609524.
Distal myopathy with posterior leg and anterior hand involvement. Also called: WILLIAMS DISTAL MYOPATHY. Identifiers: Orphanet 63273, MedGen C3279722, MONDO:0013550, OMIM 614065.
Hypertrophic cardiomyopathy 26. Also called: Cardiomyopathy, familial hypertrophic, 26. Identifiers: Orphanet 75249, MedGen C4310749, MONDO:0014883, OMIM 617047.

Submission:

Labcorp Genetics (formerly Invitae), Labcorp
Classification: Uncertain significance for Distal myopathy with posterior leg and anterior hand involvement; Myofibrillar myopathy 5; Hypertrophic cardiomyopathy 26. Last evaluated: 2025-02-07. Review status: criteria provided, single submitter. Criteria: Invitae Variant Classification Sherloc (09022015). Collection method: clinical testing. Allele origin: germline.
Comment: This sequence change replaces proline, which is neutral and non-polar, with serine, which is neutral and polar, at codon 342 of the FLNC protein (p.Pro342Ser). This variant is not present in population databases (gnomAD no frequency). This variant has not been reported in the literature in individuals affected with FLNC-related conditions. Invitae Evidence Modeling of protein sequence and biophysical properties (such as structural, functional, and spatial information, amino acid conservation, physicochemical variation, residue mobility, and thermodynamic stability) has been performed for this missense variant. However, the output from this modeling did not meet the statistical confidence thresholds required to predict the impact of this variant on FLNC protein function. In summary, the available evidence is currently insufficient to determine the role of this variant in disease. Therefore, it has been classified as a Variant of Uncertain Significance.

NM_001458.5(FLNC):c.1024C>T (p.Pro342Ser)

Gene: FLNC (filamin C; plus strand). Cytogenetic location: 7q32.1.
Variant type: single nucleotide variant.
Coding change: c.1024C>T on transcript NM_001458.5 (MANE Select); coding-DNA position 1024, C replaced by T.
Protein change: p.Pro342Ser; replaces proline 342 with serine.
Molecular consequence: missense variant.
Genome position (GRCh38, 1-based): chr7:128,838,041, C>T. VCF-style: chr7-128838041-C-T. GRCh37 (hg19) VCF-style: chr7-128478095-C-T.
Other names: c.1024C>T, p.Pro342Ser (NM_001127487.2); short protein forms P342S.
Identifiers: ClinVar variation 4812338 (VCV004812338.1).